The following is an entry in ClinVar:

NM_020338.4(ZMIZ1):c.1838A>G (p.Tyr613Cys)

Gene: ZMIZ1 (zinc finger MIZ-type containing 1; plus strand). Cytogenetic location: 10q22.3.
Variant type: single nucleotide variant.
Coding change: c.1838A>G on transcript NM_020338.4 (MANE Select); coding-DNA position 1838, A replaced by G.
Protein change: p.Tyr613Cys; replaces tyrosine 613 with cysteine.
Molecular consequence: missense variant.
Genome position (GRCh38, 1-based): chr10:79,300,761, A>G. VCF-style: chr10-79300761-A-G. GRCh37 (hg19) VCF-style: chr10-81060518-A-G.
Other names: short protein forms Y613C.
Identifiers: ClinVar variation 3346623 (VCV003346623.1).

ClinVar aggregate classification (germline): Uncertain significance (0 of 4 stars; one submission).

Conditions:
ZMIZ1-related disorder. Also called: ZMIZ1-related condition.

Submission:

PreventionGenetics, part of Exact Sciences
Classification: Uncertain significance for ZMIZ1-related condition. Last evaluated: 2024-09-03. Review status: no assertion criteria provided. Collection method: clinical testing. Allele origin: germline.
Comment: The ZMIZ1 c.1838A>G variant is predicted to result in the amino acid substitution p.Tyr613Cys. To our knowledge, this variant has not been reported in the literature or in a large population database, indicating this variant is rare. At this time, the clinical significance of this variant is uncertain due to the absence of conclusive functional and genetic evidence.